The following is an entry in ClinVar:

NM_001379200.1(TBX1):c.712-3C>T

Gene: TBX1 (T-box transcription factor 1; plus strand). Cytogenetic location: 22q11.21.
Variant type: single nucleotide variant.
Coding change: c.712-3C>T on transcript NM_001379200.1 (MANE Select); 3 bases into the intron before coding-DNA position 712, C replaced by T.
Molecular consequence: intron variant.
Genome position (GRCh38, 1-based): chr22:19,764,955, C>T. VCF-style: chr22-19764955-C-T. GRCh37 (hg19) VCF-style: chr22-19752478-C-T.
Other names: c.685-3C>T (NM_005992.1, NM_080646.2, NM_080647.1).
Identifiers: ClinVar variation 3654454 (VCV003654454.2).

ClinVar aggregate classification (germline): Uncertain significance (1 of 4 stars; one submission).

Conditions:
DiGeorge syndrome. Also called: THIRD AND FOURTH PHARYNGEAL POUCH SYNDROME; Catch22. Identifiers: Orphanet 567, MedGen C0012236, MONDO:0008564, OMIM 188400.

Submission:

Labcorp Genetics (formerly Invitae), Labcorp
Classification: Uncertain significance for DiGeorge syndrome. Last evaluated: 2024-05-23. Review status: criteria provided, single submitter. Criteria: Invitae Variant Classification Sherloc (09022015). Collection method: clinical testing. Allele origin: germline.
Comment: This sequence change falls in intron 5 of the TBX1 gene. It does not directly change the encoded amino acid sequence of the TBX1 protein. It affects a nucleotide within the consensus splice site. This variant is not present in population databases (gnomAD no frequency). This variant has not been reported in the literature in individuals affected with TBX1-related conditions. Variants that disrupt the consensus splice site are a relatively common cause of aberrant splicing (PMID: 17576681, 9536098). Algorithms developed to predict the effect of sequence changes on RNA splicing suggest that this variant is not likely to affect RNA splicing. In summary, the available evidence is currently insufficient to determine the role of this variant in disease. Therefore, it has been classified as a Variant of Uncertain Significance.

Literature cited by the submitters: PubMed 17576681; PubMed 9536098.